The following is an entry in ClinVar:

ClinVar aggregate classification (germline): Uncertain significance (1 of 4 stars; one submission).

Submission:

GeneDx
Classification: Uncertain significance. Last evaluated: 2026-01-21. Review status: criteria provided, single submitter. Criteria: GeneDx Variant Classification Process June 2021. Collection method: clinical testing. Allele origin: germline.
Comment: Not observed at significant frequency in large population cohorts (gnomAD); In silico analysis supports that this missense variant has a deleterious effect on protein structure/function; Has not been previously published as pathogenic or benign to our knowledge

NM_001429.4(EP300):c.4432C>A (p.Arg1478Ser)

Gene: EP300 (EP300 lysine acetyltransferase; plus strand). Cytogenetic location: 22q13.2.
Variant type: single nucleotide variant.
Coding change: c.4432C>A on transcript NM_001429.4 (MANE Select); coding-DNA position 4432, C replaced by A.
Protein change: p.Arg1478Ser; replaces arginine 1478 with serine.
Molecular consequence: missense variant.
Genome position (GRCh38, 1-based): chr22:41,170,551, C>A. VCF-style: chr22-41170551-C-A. GRCh37 (hg19) VCF-style: chr22-41566555-C-A.
Other names: c.4354C>A, p.Arg1452Ser (NM_001362843.2); short protein forms R1452S, R1478S.
Identifiers: ClinVar variation 4975308 (VCV004975308.1).